The following is an entry in ClinVar:

ClinVar aggregate classification (germline): Uncertain significance (1 of 4 stars; one submission).

Conditions:
Megalencephaly-polymicrogyria-postaxial polydactyly-hydrocephalus syndrome. Also called: MPPH Syndrome; MEG-PMG-MEGACC SYNDROME. Identifiers: Orphanet 83473, MedGen C1863924, MONDO:0019375.

Submission:

Labcorp Genetics (formerly Invitae), Labcorp
Classification: Uncertain significance for Megalencephaly-polymicrogyria-postaxial polydactyly-hydrocephalus syndrome. Last evaluated: 2024-05-28. Review status: criteria provided, single submitter. Criteria: Invitae Variant Classification Sherloc (09022015). Collection method: clinical testing. Allele origin: germline.
Comment: This sequence change replaces methionine, which is neutral and non-polar, with valine, which is neutral and non-polar, at codon 635 of the PIK3R2 protein (p.Met635Val). This variant is not present in population databases (gnomAD no frequency). This variant has not been reported in the literature in individuals affected with PIK3R2-related conditions. Advanced modeling of protein sequence and biophysical properties (such as structural, functional, and spatial information, amino acid conservation, physicochemical variation, residue mobility, and thermodynamic stability) performed at Invitae indicates that this missense variant is not expected to disrupt PIK3R2 protein function with a negative predictive value of 80%. In summary, the available evidence is currently insufficient to determine the role of this variant in disease. Therefore, it has been classified as a Variant of Uncertain Significance.

NM_005027.4(PIK3R2):c.1903A>G (p.Met635Val)

Gene: PIK3R2 (phosphoinositide-3-kinase regulatory subunit 2; plus strand). Cytogenetic location: 19p13.11.
Variant type: single nucleotide variant.
Coding change: c.1903A>G on transcript NM_005027.4 (MANE Select); coding-DNA position 1903, A replaced by G.
Protein change: p.Met635Val; replaces methionine 635 with valine.
Molecular consequence: missense variant. On other transcripts: non-coding transcript variant (2).
Genome position (GRCh38, 1-based): chr19:18,168,820, A>G. VCF-style: chr19-18168820-A-G. GRCh37 (hg19) VCF-style: chr19-18279630-A-G.
Other names: short protein forms M635V.
Identifiers: ClinVar variation 3001908 (VCV003001908.3), dbSNP rs2513573083, ClinGen allele CA404815633.
Genomic context (GRCh38, chr19:18,168,820, plus strand): 5'-CCGCACCACGAGGAACGCACTTGGTACGTGGGCAAGATCAACCGCACGCAGGCAGAGGAG[A>G]TGCTGAGTGGCAAGCGGGATGGCACCTTCCTCATCCGCGAGAGCAGCCAGCGGGGCTGCT-3'
Protein context (NP_005018.2, residues 625-645): GKINRTQAEE[Met635Val]LSGKRDGTFL